The following is an entry in ClinVar:

ClinVar aggregate classification (germline): Uncertain significance (1 of 4 stars; one submission).

Submission:

Dasa
Classification: Uncertain significance. Last evaluated: 2025-10-28. Review status: criteria provided, single submitter. Criteria: DASA Assertion Criteria. Collection method: clinical testing. Allele origin: germline.
Comment: NM_006766.5(KAT6A):c.3341A>T (p.Asp1114Val) is a missense variant that results in the substitution of aspartic acid with valine. This variant is absent from population databases. The currently available literature and clinical evidence are not sufficient to establish a definitive association between this variant and the reported condition. Therefore, this variant is classified as a variant of uncertain significance.

NM_006766.5(KAT6A):c.3341A>T (p.Asp1114Val)

Gene: KAT6A (lysine acetyltransferase 6A; minus strand). Cytogenetic location: 8p11.21.
Variant type: single nucleotide variant.
Coding change: c.3341A>T on transcript NM_006766.5 (MANE Select); coding-DNA position 3341, A replaced by T.
Protein change: p.Asp1114Val; replaces aspartic acid 1114 with valine.
Molecular consequence: missense variant.
Genome position (GRCh38, 1-based): chr8:41,937,267, T>A on the plus strand (A>T on the coding strand, the complement: KAT6A is on the minus strand). VCF-style: chr8-41937267-T-A. GRCh37 (hg19) VCF-style: chr8-41794785-T-A.
Other names: short protein forms D1114V.
Identifiers: ClinVar variation 4881452 (VCV004881452.2).